The following is an entry in ClinVar:

ClinVar aggregate classification (germline): Uncertain significance. Review status: criteria provided, multiple submitters, no conflicts (2 of 4 stars). 2 submissions from 2 submitters: Uncertain significance (2). Last evaluated 2025-02-24.

Conditions:
ARHGEF28-related disorder. Also called: ARHGEF28-related condition.

Allele frequency attached by ClinVar (database versions not stated): ExAC 0.00008.
gnomAD v4.1: 41 of 1,558,784 alleles (0.0026%); highest among the groups gnomAD compares: Non-Finnish European, 0.0035%; no homozygotes.

Submissions (4):

Ambry Genetics
Classification: Uncertain significance. Last evaluated: 2025-02-24. Review status: criteria provided, single submitter. Criteria: Ambry Variant Classification Scheme 2023. Collection method: clinical testing. Allele origin: germline.

PreventionGenetics, part of Exact Sciences
Classification: Uncertain significance for ARHGEF28-related condition. Last evaluated: 2023-09-05. Review status: criteria provided, single submitter. Criteria: ACMG Guidelines, 2015. Collection method: clinical testing. Allele origin: germline.
Comment: The ARHGEF28 c.891C>A variant is predicted to result in the amino acid substitution p.Ser297Arg. To our knowledge, this variant has not been reported in the literature. This variant is reported in 0.0029% of alleles in individuals of European (Non-Finnish) descent in gnomAD. At this time, the clinical significance of this variant is uncertain due to the absence of conclusive functional and genetic evidence.

Dr. Peter K. Rogan Lab, Western University
No classification provided (evidence only). Condition: Thyroid cancer, nonmedullary, 1. Review status: no classification provided. Collection method: in vitro. Allele origin: not applicable. Functional consequence: retained intron. Not counted in ClinVar's aggregate classification.

Dr. Peter K. Rogan Lab, Western University
No classification provided (evidence only). Condition: Ovarian serous cystadenocarcinoma. Review status: no classification provided. Collection method: in vitro. Allele origin: not applicable. Functional consequence: retained intron. Not counted in ClinVar's aggregate classification.

NM_001177693.2(ARHGEF28):c.891C>A (p.Ser297Arg)

Gene: ARHGEF28 (Rho guanine nucleotide exchange factor 28; plus strand). Cytogenetic location: 5q13.2.
Variant type: single nucleotide variant.
Coding change: c.891C>A on transcript NM_001177693.2 (MANE Select); coding-DNA position 891, C replaced by A.
Protein change: p.Ser297Arg; replaces serine 297 with arginine.
Molecular consequence: missense variant.
Genome position (GRCh38, 1-based): chr5:73,780,726, C>A. VCF-style: chr5-73780726-C-A. GRCh37 (hg19) VCF-style: chr5-73076551-C-A.
Other names: NC_000005.9:g.73076551C>A; c.891C>A, p.Ser297Arg (NM_001080479.3, NM_001388078.1); c.597C>A, p.Ser199Arg (NM_001388076.1); short protein forms S199R, S297R.
Identifiers: ClinVar variation 2635839 (VCV002635839.3), dbSNP rs780509291, ClinGen allele CA3304339.